The following is an entry in ClinVar:

ClinVar aggregate classification (germline): Likely pathogenic (1 of 4 stars; one submission).

Conditions:
Intellectual developmental disorder, autosomal dominant 42. Also called: GNB1 Encephalopathy; Intellectual disability, autosomal dominant 42; Global developmental delay-neuro-ophthalmological abnormalities-seizures-intellectual disability syndrome. Identifiers: Orphanet 488613, MedGen C4310774, MONDO:0014855, OMIM 616973.

Submission:

3billion
Classification: Likely pathogenic for Intellectual developmental disorder, autosomal dominant 42. Last evaluated: 2023-02-23. Review status: criteria provided, single submitter. Criteria: ACMG Guidelines, 2015. Collection method: clinical testing. Allele origin: unknown. Affected: yes.
Comment: The variant is not observed in the gnomAD v2.1.1 dataset. The variant is located in a mutational hot spot and/or well-established functional domain in which established pathogenic variants have been reported. In silico tool predictions suggest damaging effect of the variant on gene or gene product (3Cnet: 0.92). Therefore, this variant is classified as Likely pathogenic according to the recommendation of ACMG/AMP guideline.

NM_002074.5(GNB1):c.183G>T (p.Met61Ile)

Gene: GNB1 (G protein subunit beta 1; minus strand). Cytogenetic location: 1p36.33.
Variant type: single nucleotide variant.
Coding change: c.183G>T on transcript NM_002074.5 (MANE Select); coding-DNA position 183, G replaced by T.
Protein change: p.Met61Ile; replaces methionine 61 with isoleucine.
Molecular consequence: missense variant. On other transcripts: intron variant (1).
Genome position (GRCh38, 1-based): chr1:1,815,776, C>A on the plus strand (G>T on the coding strand, the complement: GNB1 is on the minus strand). VCF-style: chr1-1815776-C-A. GRCh37 (hg19) VCF-style: chr1-1747215-C-A.
Other names: c.183G>T, p.Met61Ile (NM_001282539.2); c.-97-9238G>T (NM_001282538.2); short protein forms M61I.
Identifiers: ClinVar variation 2444031 (VCV002444031.1), dbSNP rs2523137356, ClinGen allele CA337919457.